The following is an entry in ClinVar:

NM_000046.5(ARSB):c.517G>A (p.Glu173Lys)

Gene: ARSB (arylsulfatase B; minus strand). Cytogenetic location: 5q14.1.
Variant type: single nucleotide variant.
Coding change: c.517G>A on transcript NM_000046.5 (MANE Select); coding-DNA position 517, G replaced by A.
Protein change: p.Glu173Lys; replaces glutamic acid 173 with lysine.
Molecular consequence: missense variant.
Genome position (GRCh38, 1-based): chr5:78,964,589, C>T on the plus strand (G>A on the coding strand, the complement: ARSB is on the minus strand). VCF-style: chr5-78964589-C-T. GRCh37 (hg19) VCF-style: chr5-78260412-C-T.
Other names: p.Glu173Lys; c.517G>A, p.Glu173Lys (NM_198709.3); short protein forms E173K.
Identifiers: ClinVar variation 4849886 (VCV004849886.1).

ClinVar aggregate classification (germline): Uncertain significance (1 of 4 stars; one submission).

Conditions:
Mucopolysaccharidosis type 6 (MPS6). Also called: MPS VI; ARSB DEFICIENCY; MPS 6; Maroteaux Lamy syndrome; ARYLSULFATASE B DEFICIENCY; N-ACETYLGALACTOSAMINE-4-SULFATASE DEFICIENCY. Identifiers: Orphanet 583, MedGen C0026709, MONDO:0009661, OMIM 253200.

Submission:

Foundation for Research in Genetics and Endocrinology, FRIGE's Institute of Human Genetics
Classification: Uncertain significance for Mucopolysaccharidosis type 6. Last evaluated: 2026-04-03. Review status: criteria provided, single submitter. Criteria: ACMG Guidelines, 2015. Collection method: clinical testing. Allele origin: germline. Inheritance: Autosomal recessive inheritance. Affected: yes. Observed: 1 variant allele, 1 homozygote.
Comment: A homozygous variant in exon 3 of the ARSB gene that results in the amino acid substitution of Lysine for Glutamic acid at codon 173 was detected. This variant has not been reported in the 1000 genomes and gnomAD databases. The in-silico prediction of the variant is deleterious by MutationTaster, FATHMM and DANN. In summary, the variant meets our criteria to be classified as variant of uncertain significance.